The following is an entry in ClinVar:

ClinVar aggregate classification (germline): Pathogenic (1 of 4 stars; one submission).

Conditions:
Aniridia 1 (AN1). Identifiers: Orphanet 250923, MedGen C0344542, MONDO:0024507, OMIM 106210.

Submission:

Greenwood Genetic Center Diagnostic Laboratories, Greenwood Genetic Center
Classification: Pathogenic for Aniridia 1. Last evaluated: 2023-09-11. Review status: criteria provided, single submitter. Criteria: ACMG Guidelines, 2015. Collection method: clinical testing. Allele origin: germline. Affected: yes.
Comment: PVS1, PM2, PS4_supporting

NM_001368894.2(PAX6):c.1072C>T (p.Gln358Ter)

Gene: PAX6 (paired box 6; minus strand). Cytogenetic location: 11p13.
Variant type: single nucleotide variant.
Coding change: c.1072C>T on transcript NM_001368894.2 (MANE Select); coding-DNA position 1072, C replaced by T.
Protein change: p.Gln358Ter; replaces glutamine 358 with a stop codon.
Molecular consequence: nonsense. On other transcripts: non-coding transcript variant (2).
Genome position (GRCh38, 1-based): chr11:31,793,440, G>A on the plus strand (C>T on the coding strand, the complement: PAX6 is on the minus strand). VCF-style: chr11-31793440-G-A. GRCh37 (hg19) VCF-style: chr11-31814988-G-A.
Other names: c.1030C>T, p.Gln344Ter (NM_001368889.2, NM_001368890.2, NM_001368891.2 and 10 more transcripts); c.1072C>T, p.Gln358Ter (NM_001368892.2, NM_001368893.2, NM_001258462.3 and 6 more transcripts); c.622C>T, p.Gln208Ter (NM_001368899.2, NM_001368900.2, NM_001368901.2 and 11 more transcripts); c.1147C>T, p.Gln383Ter (NM_001368918.2, NM_001368919.2); c.1105C>T, p.Gln369Ter (NM_001368920.2); c.1273C>T, p.Gln425Ter (NM_001368910.2); c.1075C>T, p.Gln359Ter (NM_001368911.2); c.871C>T, p.Gln291Ter (NM_001368921.2, NM_001368922.2, NM_001368923.2 and 4 more transcripts); and 2 more; short protein forms Q143*, Q208*, Q277*, Q291*, Q344*, Q358*, Q359*, Q369*.
Identifiers: ClinVar variation 2626933 (VCV002626933.1), dbSNP rs2495048635, ClinGen allele CA379955990.